The following is an entry in ClinVar:

ClinVar aggregate classification (germline): Uncertain significance (1 of 4 stars; one submission).

Conditions:
Succinate-semialdehyde dehydrogenase deficiency (SSADHD). Also called: Succinic Semialdehyde Dehydrogenase Deficiency; 4-HYDROXYBUTYRIC ACIDURIA; GABA METABOLIC DEFECT; SSADH DEFICIENCY. Identifiers: Orphanet 22, MedGen C0268631, MONDO:0010083, OMIM 271980.

Submission:

Labcorp Genetics (formerly Invitae), Labcorp
Classification: Uncertain significance for Succinate-semialdehyde dehydrogenase deficiency. Last evaluated: 2022-08-13. Review status: criteria provided, single submitter. Criteria: Invitae Variant Classification Sherloc (09022015). Collection method: clinical testing. Allele origin: germline.
Comment: This variant results in a copy number gain of the genomic region encompassing exon(s) 1-7 of the ALDH5A1 gene. This region includes the initiator codon of the gene. This copy number gain extends beyond the assayed region for this gene and therefore may encompass additional genes. As the precise location of this event is unknown, it may be in tandem or it may be located elsewhere in the genome. This variant has not been reported in the literature in individuals affected with ALDH5A1-related conditions. In summary, the available evidence is currently insufficient to determine the role of this variant in disease. Therefore, it has been classified as a Variant of Uncertain Significance.

NC_000006.11:g.(?_24495225)_(24523173_?)dup

Gene: ALDH5A1 (aldehyde dehydrogenase 5 family member A1; plus strand). Cytogenetic location: 6p22.3.
Variant type: Duplication.
Identifiers: ClinVar variation 2423634 (VCV002423634.3).